The following is an entry in ClinVar:

ClinVar aggregate classification (germline): Uncertain significance. Review status: criteria provided, multiple submitters, no conflicts (2 of 4 stars). 3 submissions from 3 submitters: Uncertain significance (3). Last evaluated 2024-11-10.

Conditions:
WFS1-related disorder. Identifiers: MedGen CN379391, MONDO:0700293.
Inborn genetic diseases. Identifiers: MedGen C0950123, MeSH D030342.

Allele frequency attached by ClinVar (database versions not stated): ExAC 0.00001; gnomAD 0.00001; TOPMed 0.00002; gnomAD exomes 0.00004; ESP Exome Variant Server 0.00008.
gnomAD v4.1: 58 of 1,611,468 alleles (0.0036%); highest among the groups gnomAD compares: Non-Finnish European, 0.0048%; no homozygotes.

Submissions (3):

Ambry Genetics
Classification: Uncertain significance for Inborn genetic diseases. Last evaluated: 2024-11-10. Review status: criteria provided, single submitter. Criteria: Ambry Variant Classification Scheme 2023. Collection method: clinical testing. Allele origin: germline.

PreventionGenetics, part of Exact Sciences
Classification: Uncertain significance for WFS1-related condition. Last evaluated: 2023-07-15. Review status: criteria provided, single submitter. Criteria: ACMG Guidelines, 2015. Collection method: clinical testing. Allele origin: germline.
Comment: The WFS1 c.857T>C variant is predicted to result in the amino acid substitution p.Leu286Pro. To our knowledge, this variant has not been reported in the literature. This variant is reported in 0.0018% of alleles in individuals of European (Non-Finnish) descent in gnomAD. At this time, the clinical significance of this variant is uncertain due to the absence of conclusive functional and genetic evidence.

Blueprint Genetics
Classification: Uncertain significance. Last evaluated: 2022-01-19. Review status: criteria provided, single submitter. Criteria: ACMG Guidelines, 2015. Collection method: clinical testing. Allele origin: germline.

NM_006005.3(WFS1):c.857T>C (p.Leu286Pro)

Gene: WFS1 (wolframin ER transmembrane glycoprotein; plus strand). Cytogenetic location: 4p16.1.
Variant type: single nucleotide variant.
Coding change: c.857T>C on transcript NM_006005.3 (MANE Select); coding-DNA position 857, T replaced by C.
Protein change: p.Leu286Pro; replaces leucine 286 with proline.
Molecular consequence: missense variant.
Genome position (GRCh38, 1-based): chr4:6,295,185, T>C. VCF-style: chr4-6295185-T-C. GRCh37 (hg19) VCF-style: chr4-6296912-T-C.
Other names: c.857T>C, p.Leu286Pro (NM_001145853.1); short protein forms L286P.
Identifiers: ClinVar variation 2634718 (VCV002634718.3), dbSNP rs377756809, ClinGen allele CA2839086.